The following is an entry in ClinVar:

ClinVar aggregate classification (germline): Uncertain significance (1 of 4 stars; one submission).

Submission:

GeneDx
Classification: Uncertain significance. Last evaluated: 2024-12-17. Review status: criteria provided, single submitter. Criteria: GeneDx Variant Classification Process June 2021. Collection method: clinical testing. Allele origin: germline. Affected: yes.
Comment: Not observed at significant frequency in large population cohorts (gnomAD); Nonsense variant predicted to result in protein truncation or nonsense mediated decay in a gene or region of a gene for which loss of function is not a well-established mechanism of disease; Has not been previously published as pathogenic or benign to our knowledge

NM_001470.4(GABBR1):c.1627C>T (p.Gln543Ter)

Gene: GABBR1 (gamma-aminobutyric acid type B receptor subunit 1; minus strand). Cytogenetic location: 6p22.1.
Variant type: single nucleotide variant.
Coding change: c.1627C>T on transcript NM_001470.4 (MANE Select); coding-DNA position 1627, C replaced by T.
Protein change: p.Gln543Ter; replaces glutamine 543 with a stop codon.
Molecular consequence: nonsense.
Genome position (GRCh38, 1-based): chr6:29,612,554, G>A on the plus strand (C>T on the coding strand, the complement: GABBR1 is on the minus strand). VCF-style: chr6-29612554-G-A. GRCh37 (hg19) VCF-style: chr6-29580331-G-A.
Other names: c.1096C>T, p.Gln366Ter (NM_001319053.2); c.1276C>T, p.Gln426Ter (NM_021903.3); c.1441C>T, p.Gln481Ter (NM_021904.4); short protein forms Q366*, Q426*, Q481*, Q543*.
Identifiers: ClinVar variation 3906620 (VCV003906620.1).
Genomic context (GRCh38, chr6:29,612,554, plus strand): 5'-CCCAGCCCAGCCCCAGCCTAGCCCCCATGTCCGGTCCCCTCCTGCCCCTGTACTAACCCT[G>A]AAGCTGCTCGATAAGCGTCCATGCCATCCGAGAGCCGCTGGCATCAAACACCACATGGCC-3'